The following is an entry in ClinVar:

ClinVar aggregate classification (germline): Uncertain significance (1 of 4 stars; one submission).

Submission:

Mayo Clinic Laboratories, Mayo Clinic
Classification: Uncertain significance. Last evaluated: 2025-09-04. Review status: criteria provided, single submitter. Criteria: ACMG Guidelines, 2015. Collection method: clinical testing. Allele origin: germline. Observed: 1 variant allele.
Comment: PP3, PM2_supporting, PS1_moderate

NM_000533.5(PLP1):c.191+5G>C

Genes: PLP1 (proteolipid protein 1; plus strand), RAB9B (RAB9B, member RAS oncogene family; minus strand). Cytogenetic location: Xq22.2.
Variant type: single nucleotide variant.
Coding change: c.191+5G>C on transcript NM_000533.5 (MANE Select); 5 bases into the intron after coding-DNA position 191, G replaced by C.
Molecular consequence: intron variant.
Genome position (GRCh38, 1-based): chrX:103,785,773, G>C. VCF-style: chrX-103785773-G-C. GRCh37 (hg19) VCF-style: chrX-103040702-G-C.
Other names: c.191+5G>C (NM_001128834.3, NM_199478.3); c.26+5G>C (NM_001305004.1).
Identifiers: ClinVar variation 4542492 (VCV004542492.1).